The following is an entry in ClinVar:

ClinVar aggregate classification (germline): Uncertain significance (1 of 4 stars; one submission).

Conditions:
Alzheimer disease. Also called: Presenile and senile dementia; Alzheimer's disease. Identifiers: Orphanet 1020, MedGen C0002395, MeSH D000544, MONDO:0004975, HP:0002511.

gnomAD v4.1: 1 of 1,614,196 alleles (0.000062%); highest among the groups gnomAD compares: Non-Finnish European, 0.000085%; no homozygotes.

Submission:

Labcorp Genetics (formerly Invitae), Labcorp
Classification: Uncertain significance for Alzheimer disease. Last evaluated: 2024-03-05. Review status: criteria provided, single submitter. Criteria: Invitae Variant Classification Sherloc (09022015). Collection method: clinical testing. Allele origin: germline.
Comment: This sequence change replaces asparagine, which is neutral and polar, with serine, which is neutral and polar, at codon 89 of the APP protein (p.Asn89Ser). This variant is not present in population databases (gnomAD no frequency). This variant has not been reported in the literature in individuals affected with APP-related conditions. Advanced modeling of protein sequence and biophysical properties (such as structural, functional, and spatial information, amino acid conservation, physicochemical variation, residue mobility, and thermodynamic stability) performed at Invitae indicates that this missense variant is not expected to disrupt APP protein function with a negative predictive value of 95%. In summary, the available evidence is currently insufficient to determine the role of this variant in disease. Therefore, it has been classified as a Variant of Uncertain Significance.

NM_000484.4(APP):c.266A>G (p.Asn89Ser)

Gene: APP (amyloid beta precursor protein; minus strand). Cytogenetic location: 21q21.3.
Variant type: single nucleotide variant.
Coding change: c.266A>G on transcript NM_000484.4 (MANE Select); coding-DNA position 266, A replaced by G.
Protein change: p.Asn89Ser; replaces asparagine 89 with serine.
Molecular consequence: missense variant.
Genome position (GRCh38, 1-based): chr21:26,090,032, T>C on the plus strand (A>G on the coding strand, the complement: APP is on the minus strand). VCF-style: chr21-26090032-T-C. GRCh37 (hg19) VCF-style: chr21-27462348-T-C.
Other names: c.251A>G, p.Asn84Ser (NM_001136016.3); c.98A>G, p.Asn33Ser (NM_001136129.3, NM_001136130.3); c.161A>G, p.Asn54Ser (NM_001136131.3); c.266A>G, p.Asn89Ser (NM_001204301.2, NM_001204302.2, NM_001204303.2 and 3 more transcripts); short protein forms N54S, N33S, N84S, N89S.
Identifiers: ClinVar variation 3637812 (VCV003637812.2).